The following is an entry in ClinVar:

NM_000475.5(NR0B1):c.64C>T (p.Gln22Ter)

Gene: NR0B1 (nuclear receptor subfamily 0 group B member 1; minus strand). Cytogenetic location: Xp21.2.
Variant type: single nucleotide variant.
Coding change: c.64C>T on transcript NM_000475.5 (MANE Select); coding-DNA position 64, C replaced by T.
Protein change: p.Gln22Ter; replaces glutamine 22 with a stop codon.
Molecular consequence: nonsense.
Genome position (GRCh38, 1-based): chrX:30,309,300, G>A on the plus strand (C>T on the coding strand, the complement: NR0B1 is on the minus strand). VCF-style: chrX-30309300-G-A. GRCh37 (hg19) VCF-style: chrX-30327417-G-A.
Other names: short protein forms Q22*.
Identifiers: ClinVar variation 1709575 (VCV001709575.2), dbSNP rs2519052221, ClinGen allele CA412549544.
Genomic context (GRCh38, chrX:30,309,300, plus strand): 5'-AACAGCCCCAGCACTGATCCACCAGCCGCGTCTCTGGAGCCTCAGGAGCCGCGCGCGTTT[G>A]CTTCGCGCTCATAAGCATGTTGTAGAGGATGCTGCCCTGCCACTGGTGGTTCTCGCCCGC-3'

ClinVar aggregate classification (germline): Likely pathogenic (1 of 4 stars; one submission).

Conditions:
Congenital adrenal hypoplasia, X-linked (AHC). Also called: ADRENAL HYPOPLASIA, CONGENITAL, WITH HYPOGONADOTROPIC HYPOGONADISM; X-linked AHC; X-Linked Adrenal Hypoplasia Congenita; Isolated X-Linked Adrenal Hypoplasia Congenita. Identifiers: Orphanet 95702, MedGen C0342482, MONDO:0010264, OMIM 300200. Disease mechanism: loss of function.

Submission:

MGZ Medical Genetics Center
Classification: Likely pathogenic for Congenital adrenal hypoplasia, X-linked. Last evaluated: 2022-06-23. Review status: criteria provided, single submitter. Criteria: ACMG Guidelines, 2015. Collection method: clinical testing. Allele origin: germline. Affected: yes. Observed: 1 variant allele.
Comment: ACMG criteria applied: PVS1, PM2_SUP